The following is an entry in ClinVar:

NM_006612.6(KIF1C):c.774_775del (p.Ala260fs)

Genes: KIF1C (kinesin family member 1C; plus strand), LOC126862472 (CDK7 strongly-dependent group 2 enhancer GRCh37_chr17:4906716-4907915; plus strand). Cytogenetic location: 17p13.2.
Variant type: Deletion.
Coding change: c.774_775del on transcript NM_006612.6 (MANE Select); coding-DNA positions 774 to 775, 2 bases deleted (AG; older notation c.774_775delAG).
Protein change: p.Ala260fs; shifts the reading frame from alanine 260.
Molecular consequence: frameshift variant.
Genome position (GRCh38, 1-based): chr17:5,003,665-5,003,666, AG deleted. VCF-style (leftmost placement, unchanged base first): chr17-5003664-CAG-C. GRCh37 (hg19) VCF-style: chr17-4906959-CAG-C.
Other names: short protein forms A260fs.
Identifiers: ClinVar variation 3357938 (VCV003357938.1).

ClinVar aggregate classification (germline): Likely pathogenic (0 of 4 stars; one submission).

Conditions:
KIF1C-related disorder. Also called: KIF1C-related condition.

Submission:

PreventionGenetics, part of Exact Sciences
Classification: Likely pathogenic for KIF1C-related condition. Last evaluated: 2024-04-03. Review status: no assertion criteria provided. Collection method: clinical testing. Allele origin: germline.
Comment: The KIF1C c.774_775delAG variant is predicted to result in a frameshift and premature protein termination (p.Ala260Profs*13). To our knowledge, this variant has not been reported in the literature or in a large population database, indicating this variant is rare. Frameshift variants in KIF1C are expected to be pathogenic. This variant is interpreted as likely pathogenic.